The following is an entry in ClinVar:

ClinVar aggregate classification (germline): Uncertain significance (1 of 4 stars; one submission).

Conditions:
Familial Mediterranean fever (FMF). Also called: POLYSEROSITIS, FAMILIAL PAROXYSMAL; POLYSEROSITIS, RECURRENT; Periodic peritonitis; Benign paroxysmal peritonitis. Identifiers: Orphanet 342, MedGen C0031069, MONDO:0018088, OMIM 249100. Disease mechanism: gain of function.

Submission:

Labcorp Genetics (formerly Invitae), Labcorp
Classification: Uncertain significance for Familial Mediterranean fever. Last evaluated: 2025-10-21. Review status: criteria provided, single submitter. Criteria: Invitae Variant Classification Sherloc (09022015). Collection method: clinical testing. Allele origin: germline.
Comment: This sequence change creates a premature translational stop signal (p.Arg151Glyfs*8) in the MEFV gene. It is expected to result in an absent or disrupted protein product. However, the current clinical and genetic evidence is not sufficient to establish whether loss-of-function variants in MEFV cause disease. This variant is not present in population databases (gnomAD no frequency). This variant has not been reported in the literature in individuals affected with MEFV-related conditions. ClinVar contains an entry for this variant (Variation ID: 1483970). In summary, the available evidence is currently insufficient to determine the role of this variant in disease. Therefore, it has been classified as a Variant of Uncertain Significance.

NM_000243.3(MEFV):c.450del (p.Arg151fs)

Gene: MEFV (MEFV innate immunity regulator, pyrin; minus strand). Cytogenetic location: 16p13.3.
Variant type: Deletion.
Coding change: c.450del on transcript NM_000243.3 (MANE Select); coding-DNA position 450, one base deleted (G; older notation c.450delG).
Protein change: p.Arg151fs; shifts the reading frame from arginine 151.
Molecular consequence: frameshift variant. On other transcripts: intron variant (1).
Genome position (GRCh38, 1-based): chr16:3,254,618, C deleted on the plus strand (G on the coding strand, the reverse complement: MEFV is on the minus strand); the first of 3 consecutive C bases (chr16:3,254,618-3,254,620); deleting any one gives the same sequence. VCF-style (leftmost placement, unchanged base first): chr16-3254617-TC-T. GRCh37 (hg19) VCF-style: chr16-3304617-TC-T.
Other names: c.277+1693del (NM_001198536.2); short protein forms R151fs.
Identifiers: ClinVar variation 1483970 (VCV001483970.6), dbSNP rs2141677468, ClinGen allele CA2573152021.